The following is an entry in ClinVar:

NM_005862.3(STAG1):c.774G>A (p.Met258Ile)

Gene: STAG1 (STAG1 cohesin complex component; minus strand). Cytogenetic location: 3q22.3.
Variant type: single nucleotide variant.
Coding change: c.774G>A on transcript NM_005862.3 (MANE Select); coding-DNA position 774, G replaced by A.
Protein change: p.Met258Ile; replaces methionine 258 with isoleucine.
Molecular consequence: missense variant.
Genome position (GRCh38, 1-based): chr3:136,502,682, C>T on the plus strand (G>A on the coding strand, the complement: STAG1 is on the minus strand). VCF-style: chr3-136502682-C-T. GRCh37 (hg19) VCF-style: chr3-136221524-C-T.
Other names: short protein forms M258I.
Identifiers: ClinVar variation 2784592 (VCV002784592.3), dbSNP rs2530814872, ClinGen allele CA354646588.

ClinVar aggregate classification (germline): Uncertain significance (1 of 4 stars; one submission).

Submission:

Labcorp Genetics (formerly Invitae), Labcorp
Classification: Uncertain significance. Last evaluated: 2025-05-30. Review status: criteria provided, single submitter. Criteria: Invitae Variant Classification Sherloc (09022015). Collection method: clinical testing. Allele origin: germline.
Comment: This sequence change replaces methionine, which is neutral and non-polar, with isoleucine, which is neutral and non-polar, at codon 258 of the STAG1 protein (p.Met258Ile). This variant is not present in population databases (gnomAD no frequency). This variant has not been reported in the literature in individuals affected with STAG1-related conditions. ClinVar contains an entry for this variant (Variation ID: 2784592). Invitae Evidence Modeling of protein sequence and biophysical properties (such as structural, functional, and spatial information, amino acid conservation, physicochemical variation, residue mobility, and thermodynamic stability) indicates that this missense variant is not expected to disrupt STAG1 protein function with a negative predictive value of 80%. In summary, the available evidence is currently insufficient to determine the role of this variant in disease. Therefore, it has been classified as a Variant of Uncertain Significance.